The following is an entry in ClinVar:

ClinVar aggregate classification (germline): Uncertain significance (1 of 4 stars; one submission).

Conditions:
Inborn genetic diseases. Identifiers: MedGen C0950123, MeSH D030342.

Allele frequency attached by ClinVar (database versions not stated): gnomAD exomes below 0.00001.
gnomAD v4.1: 2 of 1,613,700 alleles (0.00012%); highest among the groups gnomAD compares: Admixed American, 0.0033%; no homozygotes.

Submission:

Ambry Genetics
Classification: Uncertain significance for Inborn genetic diseases. Last evaluated: 2017-08-15. Review status: criteria provided, single submitter. Criteria: Ambry Variant Classification Scheme 2023. Collection method: clinical testing. Allele origin: germline.
Comment: The p.S131C variant (also known as c.392C>G), located in coding exon 1 of the LINS gene, results from a C to G substitution at nucleotide position 392. The serine at codon 131 is replaced by cysteine, an amino acid with dissimilar properties. This amino acid position is well conserved in available vertebrate species. In addition, this alteration is predicted to be tolerated by in silico analysis. Since supporting evidence is limited at this time, the clinical significance of this alteration remains unclear.

NM_001040616.3(LINS1):c.392C>G (p.Ser131Cys)

Gene: LINS1 (lines homolog 1; minus strand). Cytogenetic location: 15q26.3.
Variant type: single nucleotide variant.
Coding change: c.392C>G on transcript NM_001040616.3 (MANE Select); coding-DNA position 392, C replaced by G.
Protein change: p.Ser131Cys; replaces serine 131 with cysteine.
Molecular consequence: missense variant. On other transcripts: 5 prime UTR variant (1), non-coding transcript variant (3), intron variant (1).
Genome position (GRCh38, 1-based): chr15:100,580,451, G>C on the plus strand (C>G on the coding strand, the complement: LINS1 is on the minus strand). VCF-style: chr15-100580451-G-C. GRCh37 (hg19) VCF-style: chr15-101120656-G-C.
Other names: c.-518C>G (NM_001352507.2); c.354+38C>G (NM_001352508.2); short protein forms S131C.
Identifiers: ClinVar variation 1799651 (VCV001799651.2), dbSNP rs1158216713, ClinGen allele CA393938144.